The following is an entry in ClinVar:

NM_000455.5(STK11):c.931A>G (p.Lys311Glu)

Gene: STK11 (serine/threonine kinase 11; plus strand). Cytogenetic location: 19p13.3.
Variant type: single nucleotide variant.
Coding change: c.931A>G on transcript NM_000455.5 (MANE Select); coding-DNA position 931, A replaced by G.
Protein change: p.Lys311Glu; replaces lysine 311 with glutamic acid.
Molecular consequence: missense variant. On other transcripts: non-coding transcript variant (1).
Genome position (GRCh38, 1-based): chr19:1,222,995, A>G. VCF-style: chr19-1222995-A-G. GRCh37 (hg19) VCF-style: chr19-1222994-A-G.
Other names: c.931A>G, p.Lys311Glu (NM_001407255.1); short protein forms K311E.
Identifiers: ClinVar variation 3720415 (VCV003720415.2).

ClinVar aggregate classification (germline): Uncertain significance (1 of 4 stars; one submission).

Conditions:
Peutz-Jeghers syndrome (PJS). Also called: POLYPOSIS, HAMARTOMATOUS INTESTINAL; POLYPS-AND-SPOTS SYNDROME; Peutz-Jeghers polyposis; Periorificial lentiginosis syndrome. Identifiers: Orphanet 2869, MedGen C0031269, MeSH D010580, MONDO:0008280, OMIM 175200.

Submission:

Labcorp Genetics (formerly Invitae), Labcorp
Classification: Uncertain significance for Peutz-Jeghers syndrome. Last evaluated: 2025-02-03. Review status: criteria provided, single submitter. Criteria: Invitae Variant Classification Sherloc (09022015). Collection method: clinical testing. Allele origin: germline.
Comment: This sequence change replaces lysine, which is basic and polar, with glutamic acid, which is acidic and polar, at codon 311 of the STK11 protein (p.Lys311Glu). This variant is not present in population databases (gnomAD no frequency). This variant has not been reported in the literature in individuals affected with STK11-related conditions. Invitae Evidence Modeling of protein sequence and biophysical properties (such as structural, functional, and spatial information, amino acid conservation, physicochemical variation, residue mobility, and thermodynamic stability) has been performed for this missense variant. However, the output from this modeling did not meet the statistical confidence thresholds required to predict the impact of this variant on STK11 protein function. In summary, the available evidence is currently insufficient to determine the role of this variant in disease. Therefore, it has been classified as a Variant of Uncertain Significance.